The following is an entry in ClinVar:

ClinVar aggregate classification (germline): Uncertain significance. Review status: criteria provided, multiple submitters, no conflicts (2 of 4 stars). 2 submissions from 2 submitters: Uncertain significance (2). Last evaluated 2025-01-22.

Allele frequency attached by ClinVar (database versions not stated): ExAC 0.00001; gnomAD 0.00002; TOPMed 0.00005.
gnomAD v4.1: 8 of 1,613,888 alleles (0.0005%); highest among the groups gnomAD compares: African/African-American, 0.008%; no homozygotes.

Submissions (2):

Ambry Genetics
Classification: Uncertain significance. Last evaluated: 2025-01-22. Review status: criteria provided, single submitter. Criteria: Ambry Variant Classification Scheme 2023. Collection method: clinical testing. Allele origin: germline.
Comment: The p.K506R variant (also known as c.1517A>G), located in coding exon 13 of the GEN1 gene, results from an A to G substitution at nucleotide position 1517. The lysine at codon 506 is replaced by arginine, an amino acid with highly similar properties. This amino acid position is conserved. In addition, this alteration is predicted to be tolerated by in silico analysis. Based on the available evidence, the clinical significance of this variant remains unclear.

Labcorp Genetics (formerly Invitae), Labcorp
Classification: Uncertain significance. Last evaluated: 2022-12-08. Review status: criteria provided, single submitter. Criteria: Invitae Variant Classification Sherloc (09022015). Collection method: clinical testing. Allele origin: germline.
Comment: In summary, the available evidence is currently insufficient to determine the role of this variant in disease. Therefore, it has been classified as a Variant of Uncertain Significance. Algorithms developed to predict the effect of missense changes on protein structure and function (SIFT, PolyPhen-2, Align-GVGD) all suggest that this variant is likely to be tolerated. This variant has not been reported in the literature in individuals affected with GEN1-related conditions. This variant is present in population databases (rs754880982, gnomAD 0.008%). This sequence change replaces lysine, which is basic and polar, with arginine, which is basic and polar, at codon 506 of the GEN1 protein (p.Lys506Arg).

NM_001130009.3(GEN1):c.1517A>G (p.Lys506Arg)

Gene: GEN1 (GEN1 structure-specific endonuclease; plus strand). Cytogenetic location: 2p24.2.
Variant type: single nucleotide variant.
Coding change: c.1517A>G on transcript NM_001130009.3 (MANE Select); coding-DNA position 1517, A replaced by G.
Protein change: p.Lys506Arg; replaces lysine 506 with arginine.
Molecular consequence: missense variant.
Genome position (GRCh38, 1-based): chr2:17,780,729, A>G. VCF-style: chr2-17780729-A-G. GRCh37 (hg19) VCF-style: chr2-17961996-A-G.
Other names: c.1517A>G, p.Lys506Arg (NM_182625.5); c.1517A>G (NM_001130009.1); short protein forms K506R.
Identifiers: ClinVar variation 2721478 (VCV002721478.4), dbSNP rs754880982, ClinGen allele CA1540781.